The following is an entry in ClinVar:

ClinVar aggregate classification (germline): Benign. Review status: reviewed by expert panel (3 of 4 stars). 12 submissions from 12 submitters: Benign (1). 11 of the submissions do not count toward it. Last evaluated 2025-08-03.

Conditions:
RPGR-related retinopathy. Also called: RPGR retinopathy. Identifiers: MedGen CN305589, MONDO:0100437.
Primary ciliary dyskinesia. Also called: Ciliary dyskinesia. Identifiers: Orphanet 244, MedGen C0008780, MONDO:0016575, HP:0012265.

Allele frequency attached by ClinVar (database versions not stated): 1000 Genomes Project 30x 0.00770; gnomAD 0.01885 and 0.02014; ESP Exome Variant Server 0.01988; 1000 Genomes Project 0.00901; gnomAD exomes 0.01886 and 0.02387; TOPMed 0.01903; ExAC 0.01932.
gnomAD v4.1: 28,333 of 1,207,527 alleles (2.3%); highest among the groups gnomAD compares: Middle Eastern, 4%; 288 homozygotes.

Submissions (12):

ClinGen X-linked Inherited Retinal Disease Variant Curation Expert Panel, ClinGen
Classification: Benign for RPGR-related retinopathy. Last evaluated: 2025-08-03. Review status: reviewed by expert panel. Criteria: ClinGen X LinkedIRD ACMG Specifications RPGR V1.0.0. Collection method: curation. Allele origin: germline. Inheritance: X-linked inheritance.
Comment: NM_001034853.2(RPGR):c.1598C>T (p.Thr533Met) is a missense variant predicted to cause substitution of threonine by methionine at amino acid 533. This variant is present in gnomAD v.4.1.0 at a frequency of 0.02249 among hemizygous individuals, with 8,907 variant alleles / 396,119 total hemizygous alleles, which is higher than the ClinGen X-linked IRD VCEP BA1 threshold of >0.00005 (BA1). This variant has been observed in more than 6 individuals with no features or family history of RPGR-related RP, a condition with full penetrance at an early age (PMIDs: 10482958, 11992260, 10980543, 19377476). However, it is not clear whether these individuals underwent a complete visual examination, so BS2 was not met. The computational predictor REVEL gives a score of 0.015, which is below the ClinGen X-linked IRD VCEP threshold of < 0.016 and predicts a non-damaging effect on RPGR function. Additionally, the splicing impact predictor SpliceAI gives a delta score of 0.03, which is below the ClinGen X-linked IRD VCEP recommended threshold of <0.1 and does not strongly predict an impact on splicing (BP4_Strong). In summary, this variant is classified as benign for RPGR-related retinopathy based on the ClinGen X-linked Inherited Retinal Disease Expert Panel Specifications to the ACMG/AMP Variant Interpretation Guidelines for RPGR Version 1.0.0; BA1 and BP4_Strong. (date of approval 05/16/2025).

Labcorp Genetics (formerly Invitae), Labcorp
Classification: Benign for Primary ciliary dyskinesia. Last evaluated: 2026-02-04. Review status: criteria provided, single submitter. Criteria: Invitae Variant Classification Sherloc (09022015). Collection method: clinical testing. Allele origin: germline. Not counted in ClinVar's aggregate classification.

Women's Health and Genetics/Laboratory Corporation of America, LabCorp
Classification: Likely benign. Last evaluated: 2024-01-11. Review status: criteria provided, single submitter. Criteria: LabCorp Variant Classification Summary - May 2015. Collection method: clinical testing. Allele origin: germline. Not counted in ClinVar's aggregate classification.

ARUP Laboratories, Molecular Genetics and Genomics, ARUP Laboratories
Classification: Benign. Last evaluated: 2023-10-23. Review status: criteria provided, single submitter. Criteria: ARUP Molecular Germline Variant Investigation Process 2024. Collection method: clinical testing. Allele origin: germline. Not counted in ClinVar's aggregate classification.

Mayo Clinic Laboratories, Mayo Clinic
Classification: Benign. Last evaluated: 2023-07-18. Review status: criteria provided, single submitter. Criteria: ACMG Guidelines, 2015. Collection method: clinical testing. Allele origin: germline. Observed: 5 variant alleles. Not counted in ClinVar's aggregate classification.
Comment: BS1, BS2, BP4

GeneDx
Classification: Likely benign. Last evaluated: 2019-07-18. Review status: criteria provided, single submitter. Criteria: GeneDx Variant Classification Process June 2021. Collection method: clinical testing. Allele origin: germline. Affected: yes. Not counted in ClinVar's aggregate classification.

Laboratory for Molecular Medicine, Mass General Brigham Personalized Medicine
Classification: Benign. Last evaluated: 2015-01-13. Review status: criteria provided, single submitter. Criteria: LMM Criteria. Collection method: clinical testing. Allele origin: germline. Observed: 2 variant alleles. Not counted in ClinVar's aggregate classification.
Comment: p.Thr533Met in exon 14 of RPGR: This variant is not expected to have clinical si gnificance because it has been identified in 2.9% (197/6728) of European America n chromosomes from a broad population by the NHLBI Exome Sequencing Project (dbSNP rs41312104).

Ambry Genetics
Classification: Benign for Primary ciliary dyskinesia. Last evaluated: 2014-12-26. Review status: criteria provided, single submitter. Criteria: Ambry Variant Classification Scheme 2023. Collection method: clinical testing. Allele origin: germline. Not counted in ClinVar's aggregate classification.

Eurofins Ntd Llc (ga)
Classification: Benign. Last evaluated: 2013-10-03. Review status: criteria provided, single submitter. Criteria: EGL Classification Definitions 2015. Collection method: clinical testing. Allele origin: germline. Observed: 2 variant alleles, 2 heterozygotes. Not counted in ClinVar's aggregate classification.

Breakthrough Genomics
Classification: Likely benign. Review status: criteria provided, single submitter. Criteria: ACMG Guidelines, 2015. Collection method: not provided. Allele origin: germline. Inheritance: X-linked inheritance. Affected: yes. Not counted in ClinVar's aggregate classification.

PreventionGenetics, part of Exact Sciences
Classification: Benign. Review status: criteria provided, single submitter. Criteria: ACMG Guidelines, 2015. Collection method: clinical testing. Allele origin: germline. Not counted in ClinVar's aggregate classification.

Retina International
No classification provided. Review status: no classification provided. Collection method: not provided. Allele origin: unknown. Not counted in ClinVar's aggregate classification.

Literature cited by the submitters: PubMed 10482958 (cited by Mayo Clinic Laboratories, Mayo Clinic); PubMed 10980543 (cited by Mayo Clinic Laboratories, Mayo Clinic); PubMed 20591486 (cited by Mayo Clinic Laboratories, Mayo Clinic).

NM_001034853.2(RPGR):c.1598C>T (p.Thr533Met)

Gene: RPGR (retinitis pigmentosa GTPase regulator; minus strand). Cytogenetic location: Xp11.4.
Variant type: single nucleotide variant.
Coding change: c.1598C>T on transcript NM_001034853.2 (MANE Select); coding-DNA position 1598, C replaced by T.
Protein change: p.Thr533Met; replaces threonine 533 with methionine.
Molecular consequence: missense variant. On other transcripts: non-coding transcript variant (1), intron variant (5).
Genome position (GRCh38, 1-based): chrX:38,288,016, G>A on the plus strand (C>T on the coding strand, the complement: RPGR is on the minus strand). VCF-style: chrX-38288016-G-A. GRCh37 (hg19) VCF-style: chrX-38147269-G-A.
Other names: NM_001034853.2(RPGR):c.1598C>T; c.1598C>T, p.Thr533Met (NM_000328.3); c.1595C>T, p.Thr532Met (NM_001367245.1); c.1412C>T, p.Thr471Met (NM_001367246.1); c.1569+2943C>T (NM_001367249.1, NM_001367250.1); c.1386+2943C>T (NM_001367251.1); c.1572+2943C>T (NM_001367247.1); c.1602+2943C>T (NM_001367248.1); short protein forms T533M, T471M, T532M.
Identifiers: ClinVar variation 92854 (VCV000092854.35), dbSNP rs41312104, ClinGen allele CA146038.